The following is an entry in ClinVar:

NM_002451.4(MTAP):c.788G>T (p.Trp263Leu)

Gene: MTAP (methylthioadenosine phosphorylase; plus strand). Cytogenetic location: 9p21.3.
Variant type: single nucleotide variant.
Coding change: c.788G>T on transcript NM_002451.4 (MANE Select); coding-DNA position 788, G replaced by T.
Protein change: p.Trp263Leu; replaces tryptophan 263 with leucine.
Molecular consequence: missense variant.
Genome position (GRCh38, 1-based): chr9:21,859,400, G>T. VCF-style: chr9-21859400-G-T. GRCh37 (hg19) VCF-style: chr9-21859399-G-T.
Other names: short protein forms W263L.
Identifiers: ClinVar variation 914527 (VCV000914527.5), dbSNP rs373274501, ClinGen allele CA5011981.

ClinVar aggregate classification (germline): Conflicting classifications of pathogenicity. Review status: criteria provided, conflicting classifications (1 of 4 stars). 2 submissions from 2 submitters: Uncertain significance (1); Likely benign (1). Last evaluated 2023-09-29.

Conditions:
Diaphyseal medullary stenosis-bone malignancy syndrome. Also called: MYOPATHY, LIMB-GIRDLE, WITH BONE FRAGILITY; BONE DYSPLASIA WITH MALIGNANT FIBROUS HISTIOCYTOMA; BONE DYSPLASIA WITH MEDULLARY FIBROSARCOMA. Identifiers: Orphanet 85182, MedGen C1862177, MONDO:0007205, OMIM 112250.

Allele frequency attached by ClinVar (database versions not stated): ExAC 0.00002; gnomAD exomes 0.00003 and 0.00006; gnomAD 0.00005; TOPMed 0.00005; ESP Exome Variant Server 0.00008.
gnomAD v4.1: 97 of 1,612,544 alleles (0.006%); highest among the groups gnomAD compares: Non-Finnish European, 0.0077%; no homozygotes.

Submissions (2):

Ambry Genetics
Classification: Uncertain significance. Last evaluated: 2023-09-29. Review status: criteria provided, single submitter. Criteria: Ambry Variant Classification Scheme 2023. Collection method: clinical testing. Allele origin: germline.

Illumina Laboratory Services, Illumina
Classification: Likely benign for Diaphyseal medullary stenosis-bone malignancy syndrome. Last evaluated: 2018-01-13. Review status: criteria provided, single submitter. Criteria: ICSL Variant Classification Criteria 13 December 2019. Collection method: clinical testing. Allele origin: germline.
Comment: This variant was observed in the ICSL laboratory as part of a predisposition screen in an ostensibly healthy population. It had not been previously curated by ICSL or reported in the Human Gene Mutation Database (HGMD: prior to June 1st, 2018), and was therefore a candidate for classification through an automated scoring system. Utilizing variant allele frequency, disease prevalence and penetrance estimates, and inheritance mode, an automated score was calculated to assess if this variant is too frequent to cause the disease. Based on the score and internal cut-off values, a variant classified as likely benign is not then subjected to further curation. The score for this variant resulted in a classification of likely benign for this disease.